The following is an entry in ClinVar:

NM_001379286.1(ZNF423):c.841A>C (p.Ser281Arg)

Gene: ZNF423 (zinc finger protein 423; minus strand). Cytogenetic location: 16q12.1.
Variant type: single nucleotide variant.
Coding change: c.841A>C on transcript NM_001379286.1 (MANE Select); coding-DNA position 841, A replaced by C.
Protein change: p.Ser281Arg; replaces serine 281 with arginine.
Molecular consequence: missense variant.
Genome position (GRCh38, 1-based): chr16:49,638,335, T>G on the plus strand (A>C on the coding strand, the complement: ZNF423 is on the minus strand). VCF-style: chr16-49638335-T-G. GRCh37 (hg19) VCF-style: chr16-49672246-T-G.
Other names: c.637A>C, p.Ser213Arg (NM_001271620.2); c.466A>C, p.Ser156Arg (NM_001330533.2); c.817A>C, p.Ser273Arg (NM_015069.5); short protein forms S156R, S213R, S273R, S281R.
Identifiers: ClinVar variation 3381474 (VCV003381474.1).

ClinVar aggregate classification (germline): Uncertain significance (1 of 4 stars; one submission).

Submission:

GeneDx
Classification: Uncertain significance. Last evaluated: 2024-05-15. Review status: criteria provided, single submitter. Criteria: GeneDx Variant Classification Process June 2021. Collection method: clinical testing. Allele origin: germline. Affected: yes.
Comment: Not observed at significant frequency in large population cohorts (gnomAD); In silico analysis indicates that this missense variant does not alter protein structure/function; Has not been previously published as pathogenic or benign to our knowledge